The following is an entry in ClinVar:

ClinVar aggregate classification (germline): Uncertain significance (0 of 4 stars; one submission).

Conditions:
IFIH1-related disorder. Also called: IFIH1-related condition.

gnomAD v4.1: 1 of 1,614,146 alleles (0.000062%); highest among the groups gnomAD compares: Non-Finnish European, 0.000085%; no homozygotes.

Submission:

PreventionGenetics, part of Exact Sciences
Classification: Uncertain significance for IFIH1-related condition. Last evaluated: 2023-12-08. Review status: no assertion criteria provided. Collection method: clinical testing. Allele origin: germline.
Comment: The IFIH1 c.259G>T variant is predicted to result in the amino acid substitution p.Gly87Cys. To our knowledge, this variant has not been reported in the literature or in a large population database, indicating this variant is rare. At this time, the clinical significance of this variant is uncertain due to the absence of conclusive functional and genetic evidence.

NM_022168.4(IFIH1):c.259G>T (p.Gly87Cys)

Gene: IFIH1 (interferon induced with helicase C domain 1; minus strand). Cytogenetic location: 2q24.2.
Variant type: single nucleotide variant.
Coding change: c.259G>T on transcript NM_022168.4 (MANE Select); coding-DNA position 259, G replaced by T.
Protein change: p.Gly87Cys; replaces glycine 87 with cysteine.
Molecular consequence: missense variant.
Genome position (GRCh38, 1-based): chr2:162,318,049, C>A on the plus strand (G>T on the coding strand, the complement: IFIH1 is on the minus strand). VCF-style: chr2-162318049-C-A. GRCh37 (hg19) VCF-style: chr2-163174559-C-A.
Other names: short protein forms G87C.
Identifiers: ClinVar variation 3033005 (VCV003033005.2), dbSNP rs2469005841, ClinGen allele CA349013742.
Genomic context (GRCh38, chr2:162,318,049, plus strand): 5'-ACGATGGAGAGGGCAAGTCCGTGAGCTCAGGGTTCATGTAGCGGGCGGCCAGAGGGCTGC[C>A]GGTTCTCCGGAGGGCCTCCACGAATTCCCGAGTCCAACCAAGGTGCCAGACTCCCTTCTC-3'
Protein context (NP_071451.2, residues 77-97): REFVEALRRT[Gly87Cys]SPLAARYMNP